The following is an entry in ClinVar:

ClinVar aggregate classification (germline): Uncertain significance (1 of 4 stars; one submission).

gnomAD v4.1: 1 of 1,614,226 alleles (0.000062%); no homozygotes.

Submission:

Labcorp Genetics (formerly Invitae), Labcorp
Classification: Uncertain significance. Last evaluated: 2022-02-03. Review status: criteria provided, single submitter. Criteria: Invitae Variant Classification Sherloc (09022015). Collection method: clinical testing. Allele origin: germline.
Comment: In summary, the available evidence is currently insufficient to determine the role of this variant in disease. Therefore, it has been classified as a Variant of Uncertain Significance. Algorithms developed to predict the effect of missense changes on protein structure and function are either unavailable or do not agree on the potential impact of this missense change (SIFT: "Deleterious"; PolyPhen-2: "Probably Damaging"; Align-GVGD: "Class C0"). This variant has not been reported in the literature in individuals affected with POLE-related conditions. This variant is not present in population databases (gnomAD no frequency). This sequence change replaces aspartic acid, which is acidic and polar, with tyrosine, which is neutral and polar, at codon 42 of the POLE protein (p.Asp42Tyr).

NM_006231.4(POLE):c.124G>T (p.Asp42Tyr)

Gene: POLE (DNA polymerase epsilon, catalytic subunit; minus strand). Cytogenetic location: 12q24.33.
Variant type: single nucleotide variant.
Coding change: c.124G>T on transcript NM_006231.4 (MANE Select); coding-DNA position 124, G replaced by T.
Protein change: p.Asp42Tyr; replaces aspartic acid 42 with tyrosine.
Molecular consequence: missense variant.
Genome position (GRCh38, 1-based): chr12:132,681,218, C>A on the plus strand (G>T on the coding strand, the complement: POLE is on the minus strand). VCF-style: chr12-132681218-C-A. GRCh37 (hg19) VCF-style: chr12-133257804-C-A.
Other names: short protein forms D42Y.
Identifiers: ClinVar variation 2092343 (VCV002092343.4), dbSNP rs2136034354, ClinGen allele CA387370208.